The following is an entry in ClinVar:

NM_015021.3(ZNF292):c.742-3T>G

Gene: ZNF292 (zinc finger protein 292; plus strand). Cytogenetic location: 6q14.3.
Variant type: single nucleotide variant.
Coding change: c.742-3T>G on transcript NM_015021.3 (MANE Select); 3 bases into the intron before coding-DNA position 742, T replaced by G.
Molecular consequence: intron variant.
Genome position (GRCh38, 1-based): chr6:87,243,472, T>G. VCF-style: chr6-87243472-T-G. GRCh37 (hg19) VCF-style: chr6-87953190-T-G.
Other names: c.322-3T>G (NM_001351444.2).
Identifiers: ClinVar variation 2499021 (VCV002499021.28), dbSNP rs2482207163, ClinGen allele CA2580075938.
Genomic context (GRCh38, chr6:87,243,472, plus strand): 5'-ATATTGCTCTATATTCTAATATAAAACCATTTTGTGGCATATTTCTATTGGCTTTTTCTT[T>G]AGATTTCAGAAGTTGATTGCAAAGATGCACTGGAAATGATCTGTAACTTAGAATCTGAGG-3'

ClinVar aggregate classification (germline): Likely pathogenic (1 of 4 stars; one submission).

Submission:

CeGaT Center for Human Genetics Tuebingen
Classification: Likely pathogenic. Last evaluated: 2025-09-01. Review status: criteria provided, single submitter. Criteria: CeGaT Center For Human Genetics Tuebingen Variant Classification Criteria Version 2. Collection method: clinical testing. Allele origin: germline. Affected: yes. Observed: 2 variant alleles.
Comment: ZNF292: PVS1:Strong, PM2